The following is an entry in ClinVar:

ClinVar aggregate classification (germline): Uncertain significance (1 of 4 stars; one submission).

gnomAD v4.1: 2 of 1,594,002 alleles (0.00013%); highest among the groups gnomAD compares: Non-Finnish European, 0.00017%; no homozygotes.

Submission:

Labcorp Genetics (formerly Invitae), Labcorp
Classification: Uncertain significance. Last evaluated: 2021-05-20. Review status: criteria provided, single submitter. Criteria: Invitae Variant Classification Sherloc (09022015). Collection method: clinical testing. Allele origin: germline.
Comment: This variant is not present in population databases (ExAC no frequency). This variant has not been reported in the literature in individuals with PLAA-related conditions. Algorithms developed to predict the effect of missense changes on protein structure and function are either unavailable or do not agree on the potential impact of this missense change (SIFT: "Deleterious"; PolyPhen-2: "Possibly Damaging"; Align-GVGD: "Class C0"). In summary, the available evidence is currently insufficient to determine the role of this variant in disease. Therefore, it has been classified as a Variant of Uncertain Significance. This sequence change replaces arginine with tryptophan at codon 15 of the PLAA protein (p.Arg15Trp). The arginine residue is weakly conserved and there is a moderate physicochemical difference between arginine and tryptophan.

NM_001031689.3(PLAA):c.43C>T (p.Arg15Trp)

Gene: PLAA (phospholipase A2 activating protein; minus strand). Cytogenetic location: 9p21.2.
Variant type: single nucleotide variant.
Coding change: c.43C>T on transcript NM_001031689.3 (MANE Select); coding-DNA position 43, C replaced by T.
Protein change: p.Arg15Trp; replaces arginine 15 with tryptophan.
Molecular consequence: missense variant.
Genome position (GRCh38, 1-based): chr9:26,947,003, G>A on the plus strand (C>T on the coding strand, the complement: PLAA is on the minus strand). VCF-style: chr9-26947003-G-A. GRCh37 (hg19) VCF-style: chr9-26947001-G-A.
Other names: c.43C>T, p.Arg15Trp (NM_001321546.2); short protein forms R15W.
Identifiers: ClinVar variation 1439904 (VCV001439904.8), dbSNP rs1204957198, ClinGen allele CA373115050.
Genomic context (GRCh38, chr9:26,947,003, plus strand): 5'-CAAAGGCTCCCGGCGGATAGGCGCAGCACACCAGGCCCCGTACGTCCAGCTCGTGGCCCC[G>A]GAGCGAGCAGCTCAGCCGGTACCTGGTTGCGCCGCTCGTCATGGCCAGTGTCTGTCTGGC-3'
Protein context (NP_001026859.1, residues 5-25): ATRYRLSCSL[Arg15Trp]GHELDVRGLV